The following is an entry in ClinVar:

ClinVar aggregate classification (germline): Benign. Review status: reviewed by expert panel (3 of 4 stars). 3 submissions from 3 submitters: Benign (1). 2 of the submissions do not count toward it. Last evaluated 2024-08-07.

Conditions:
Centronuclear myopathy (CNM). Also called: Centronuclear myopathy, congenital; Myotubular myopathy. Identifiers: Orphanet 595, MedGen C0175709, MONDO:0018947. Inheritance: All.
Charcot-Marie-Tooth disease dominant intermediate B (CMTDIB). Also called: Charcot-Marie-Tooth disease dominant intermediate 1; CMT DI1; Charcot-Marie-Tooth disease dominant intermediate I; CHARCOT-MARIE-TOOTH NEUROPATHY, DOMINANT INTERMEDIATE B. Identifiers: Orphanet 100044, Orphanet 228179, MedGen C1847902, MONDO:0011674, OMIM 606482.

Allele frequency attached by ClinVar (database versions not stated): gnomAD 0.00001 and 0.00002; ExAC 0.00002; TOPMed 0.00002.
gnomAD v4.1: 35 of 1,614,154 alleles (0.0022%); highest among the groups gnomAD compares: South Asian, 0.0033%; no homozygotes.

Submissions (3):

ClinGen Congenital Myopathies Variant Curation Expert Panel, ClinGen
Classification: Benign for Centronuclear myopathy. Last evaluated: 2024-08-07. Review status: reviewed by expert panel. Criteria: ClinGen CongenMyopathy ACMG Specifications DNM2 V1.0.0. Collection method: curation. Allele origin: germline. Inheritance: Autosomal dominant inheritance.
Comment: The variant NM_001005361.3:c.654C>T is a synonymous (silent) variant (p.Asp218=) in exon 5/21 of DNM2. The filtering allele frequency (the lower threshold of the 95% CI of 29/1180014) of the c.654C>T variant in DNM2 is 0.00001663 for European (non-Finnish) chromosomes by gnomAD v4.1, which is higher than the ClinGen Congenital Myopathies VCEP threshold (≥0.0000015) for BA1, and therefore meets this criterion (BA1). The c.654C>T (p.Asp218=) variant is a synonymous (silent) variant that is not predicted by SpliceAI to impact splicing. In addition, it occurs at a nucleotide that is not conserved as shown by UCSC Genome Browser (BP4, BP7). In summary, this variant meets the criteria to be classified as benign for autosomal dominant centronuclear myopathy based on the ACMG/AMP criteria applied, as specified by the ClinGen Congenital Myopathies VCEP: BA1, BP4, BP7. (ClinGen Congenital Myopathies VCEP specifications version 1; 8/7/2024)

Labcorp Genetics (formerly Invitae), Labcorp
Classification: Likely benign for Charcot-Marie-Tooth disease dominant intermediate B. Last evaluated: 2024-08-15. Review status: criteria provided, single submitter. Criteria: Invitae Variant Classification Sherloc (09022015). Collection method: clinical testing. Allele origin: germline. Not counted in ClinVar's aggregate classification.

GeneDx
Classification: Likely benign. Last evaluated: 2019-07-11. Review status: criteria provided, single submitter. Criteria: GeneDx Variant Classification Process June 2021. Collection method: clinical testing. Allele origin: germline. Affected: yes. Not counted in ClinVar's aggregate classification.

NM_001005361.3(DNM2):c.654C>T (p.Asp218=)

Gene: DNM2 (dynamin 2; plus strand). Cytogenetic location: 19p13.2.
Variant type: single nucleotide variant.
Coding change: c.654C>T on transcript NM_001005361.3 (MANE Select); coding-DNA position 654, C replaced by T.
Protein change: p.Asp218=; no amino-acid change (aspartic acid 218 retained).
Molecular consequence: synonymous variant.
Genome position (GRCh38, 1-based): chr19:10,777,182, C>T. VCF-style: chr19-10777182-C-T. GRCh37 (hg19) VCF-style: chr19-10887858-C-T.
Other names: NM_001005361.3(DNM2):c.654C>T; p.Asp218=; c.654C>T, p.Asp218= (NM_001005360.3, NM_001005362.3, NM_001190716.2 and 1 more transcripts).
Identifiers: ClinVar variation 1151351 (VCV001151351.12), dbSNP rs763948283, ClinGen allele CA9200851.